The following is an entry in ClinVar:

ClinVar aggregate classification (germline): Uncertain significance (1 of 4 stars; one submission).

Conditions:
Inborn genetic diseases. Identifiers: MedGen C0950123, MeSH D030342.

Submission:

Ambry Genetics
Classification: Uncertain significance for Inborn genetic diseases. Last evaluated: 2025-02-02. Review status: criteria provided, single submitter. Criteria: Ambry Variant Classification Scheme 2023. Collection method: clinical testing. Allele origin: germline.
Comment: The p.P194S variant (also known as c.580C>T), located in coding exon 1 of the CEBPA gene, results from a C to T substitution at nucleotide position 580. The proline at codon 194 is replaced by serine, an amino acid with similar properties. This amino acid position is conserved. In addition, this alteration is predicted to be tolerated by in silico analysis. Based on the available evidence, the clinical significance of this variant remains unclear.

NM_004364.5(CEBPA):c.580C>T (p.Pro194Ser)

Gene: CEBPA (CCAAT enhancer binding protein alpha; minus strand). Cytogenetic location: 19q13.11.
Variant type: single nucleotide variant.
Coding change: c.580C>T on transcript NM_004364.5 (MANE Select); coding-DNA position 580, C replaced by T.
Protein change: p.Pro194Ser; replaces proline 194 with serine.
Molecular consequence: missense variant.
Genome position (GRCh38, 1-based): chr19:33,301,835, G>A on the plus strand (C>T on the coding strand, the complement: CEBPA is on the minus strand). VCF-style: chr19-33301835-G-A. GRCh37 (hg19) VCF-style: chr19-33792741-G-A.
Other names: c.223C>T, p.Pro75Ser (NM_001285829.2); c.685C>T, p.Pro229Ser (NM_001287424.2); c.538C>T, p.Pro180Ser (NM_001287435.2); short protein forms P75S, P180S, P194S, P229S.
Identifiers: ClinVar variation 3831191 (VCV003831191.1).